The following is an entry in ClinVar:

ClinVar aggregate classification (germline): Benign/Likely benign. Review status: criteria provided, multiple submitters, no conflicts (2 of 4 stars). 4 submissions from 4 submitters: Benign (1); Likely benign (2). 1 of the submissions does not count toward it. Last evaluated 2025-06-27.

Conditions:
MYLK-related disorder. Also called: MYLK-related condition.
Familial thoracic aortic aneurysm and aortic dissection (TAAD). Also called: Thoracic aortic aneurysms and dissections. Identifiers: Orphanet 91387, MedGen C4707243, MONDO:0019625.
Aortic aneurysm, familial thoracic 7 (AAT7). Also called: AORTIC DISSECTION, FAMILIAL, WITH OR WITHOUT AORTIC ANEURYSM. Identifiers: MedGen C3151077, MONDO:0013418, OMIM 613780.

Allele frequency attached by ClinVar (database versions not stated): gnomAD exomes 0.00006 and 0.00010; ExAC 0.00012; gnomAD 0.00048 and 0.00053; ESP Exome Variant Server 0.00054; TOPMed 0.00056.
gnomAD v4.1: 159 of 1,614,142 alleles (0.0099%); highest among the groups gnomAD compares: African/African-American, 0.17%; no homozygotes.

Submissions (4):

Labcorp Genetics (formerly Invitae), Labcorp
Classification: Likely benign for Aortic aneurysm, familial thoracic 7. Last evaluated: 2025-06-27. Review status: criteria provided, single submitter. Criteria: Invitae Variant Classification Sherloc (09022015). Collection method: clinical testing. Allele origin: germline.

Women's Health and Genetics/Laboratory Corporation of America, LabCorp
Classification: Benign. Last evaluated: 2023-08-24. Review status: criteria provided, single submitter. Criteria: LabCorp Variant Classification Summary - May 2015. Collection method: clinical testing. Allele origin: germline.

Ambry Genetics
Classification: Likely benign for Familial thoracic aortic aneurysm and aortic dissection. Last evaluated: 2021-01-07. Review status: criteria provided, single submitter. Criteria: Ambry Variant Classification Scheme 2023. Collection method: clinical testing. Allele origin: germline.

PreventionGenetics, part of Exact Sciences
Classification: Likely benign for MYLK-related condition. Last evaluated: 2019-03-04. Review status: no assertion criteria provided. Collection method: clinical testing. Allele origin: germline. Not counted in ClinVar's aggregate classification.
Comment: This variant is classified as likely benign based on ACMG/AMP sequence variant interpretation guidelines (Richards et al. 2015 PMID: 25741868, with internal and published modifications).

NM_053025.4(MYLK):c.5166T>C (p.Asp1722=)

Genes: MYLK-AS1 (MYLK antisense RNA 1; plus strand), MYLK (myosin light chain kinase; minus strand). Cytogenetic location: 3q21.1.
Variant type: single nucleotide variant.
Coding change: c.5166T>C on transcript NM_053025.4 (MANE Select); coding-DNA position 5166, T replaced by C.
Protein change: p.Asp1722=; no amino-acid change (aspartic acid 1722 retained).
Molecular consequence: synonymous variant.
Genome position (GRCh38, 1-based): chr3:123,626,890, A>G on the plus strand (T>C on the coding strand, the complement: MYLK is on the minus strand). VCF-style: chr3-123626890-A-G. GRCh37 (hg19) VCF-style: chr3-123345737-A-G.
Other names: c.4638T>C, p.Asp1546= (NM_001321309.2); c.4959T>C, p.Asp1653= (NM_053026.4); c.5013T>C, p.Asp1671= (NM_053027.4); c.4806T>C, p.Asp1602= (NM_053028.4).
Identifiers: ClinVar variation 415755 (VCV000415755.16), dbSNP rs140870383, ClinGen allele CA072598.